The following is an entry in ClinVar:

NM_003640.5(ELP1):c.1714C>T (p.Gln572Ter)

Gene: ELP1 (elongator acetyltransferase complex subunit 1; minus strand). Cytogenetic location: 9q31.3.
Variant type: single nucleotide variant.
Coding change: c.1714C>T on transcript NM_003640.5 (MANE Select); coding-DNA position 1714, C replaced by T.
Protein change: p.Gln572Ter; replaces glutamine 572 with a stop codon.
Molecular consequence: nonsense.
Genome position (GRCh38, 1-based): chr9:108,903,599, G>A on the plus strand (C>T on the coding strand, the complement: ELP1 is on the minus strand). VCF-style: chr9-108903599-G-A. GRCh37 (hg19) VCF-style: chr9-111665879-G-A.
Other names: c.1372C>T, p.Gln458Ter (NM_001318360.2); c.667C>T, p.Gln223Ter (NM_001330749.2); short protein forms Q223*, Q458*, Q572*.
Identifiers: ClinVar variation 4815178 (VCV004815178.1).

ClinVar aggregate classification (germline): Likely pathogenic (1 of 4 stars; one submission).

Conditions:
Familial dysautonomia. Also called: HSAN III; FD. Identifiers: Orphanet 1764, MedGen C0013364, MONDO:0009131, OMIM 223900. Disease mechanism: loss of function.

Submission:

Natera, Inc.
Classification: Likely pathogenic for Familial dysautonomia. Last evaluated: 2024-11-26. Review status: criteria provided, single submitter. Criteria: Natera Variant Classification Schema (03/2026). Collection method: clinical testing. Allele origin: germline.
Comment: The c.1714C>T variant in ELP1 is a nonsense variant predicted to introduce a stop codon at amino acid 572. This variant is expected to result in nonsense mediated decay, truncation, or a dysfunctional protein product. This variant is rare in the general population with a frequency below the threshold expected for the associated phenotype(s). Given the available evidence, this variant is classified as Likely Pathogenic.